The following is an entry in ClinVar:

ClinVar aggregate classification (germline): Uncertain significance (1 of 4 stars; one submission).

Conditions:
Hereditary cancer-predisposing syndrome. Also called: Neoplastic Syndromes, Hereditary; Tumor predisposition; Hereditary Cancer Syndrome; Hereditary neoplastic syndrome. Identifiers: Orphanet 140162, MedGen C0027672, MeSH D009386, MONDO:0015356.

Submission:

Ambry Genetics
Classification: Uncertain significance for Hereditary cancer-predisposing syndrome. Last evaluated: 2021-06-14. Review status: criteria provided, single submitter. Criteria: Ambry Variant Classification Scheme 2023. Collection method: clinical testing. Allele origin: germline.
Comment: The p.L1211F variant (also known as c.3631C>T), located in coding exon 24 of the RAD50 gene, results from a C to T substitution at nucleotide position 3631. The leucine at codon 1211 is replaced by phenylalanine, an amino acid with highly similar properties. This amino acid position is conserved. In addition, this alteration is predicted to be deleterious by in silico analysis. Since supporting evidence is limited at this time, the clinical significance of this alteration remains unclear.

NM_005732.4(RAD50):c.3631C>T (p.Leu1211Phe)

Genes: TH2-LCR (Th2 cytokine locus control region; plus strand), TH2LCRR (T helper type 2 locus control region associated RNA; minus strand), RAD50 (RAD50 double strand break repair protein; plus strand). Cytogenetic location: 5q31.1.
Variant type: single nucleotide variant.
Coding change: c.3631C>T on transcript NM_005732.4 (MANE Select); coding-DNA position 3631, C replaced by T.
Protein change: p.Leu1211Phe; replaces leucine 1211 with phenylalanine.
Molecular consequence: missense variant.
Genome position (GRCh38, 1-based): chr5:132,640,684, C>T. VCF-style: chr5-132640684-C-T. GRCh37 (hg19) VCF-style: chr5-131976376-C-T.
Other names: short protein forms L1211F.
Identifiers: ClinVar variation 1733418 (VCV001733418.2), dbSNP rs2149865544, ClinGen allele CA360933587.